The following is an entry in ClinVar:

NM_000090.4(COL3A1):c.904A>G (p.Arg302Gly)

Gene: COL3A1 (collagen type III alpha 1 chain; plus strand). Cytogenetic location: 2q32.2.
Variant type: single nucleotide variant.
Coding change: c.904A>G on transcript NM_000090.4 (MANE Select); coding-DNA position 904, A replaced by G.
Protein change: p.Arg302Gly; replaces arginine 302 with glycine.
Molecular consequence: missense variant.
Genome position (GRCh38, 1-based): chr2:188,991,675, A>G. VCF-style: chr2-188991675-A-G. GRCh37 (hg19) VCF-style: chr2-189856401-A-G.
Other names: short protein forms R302G.
Identifiers: ClinVar variation 2775097 (VCV002775097.3), dbSNP rs2469121937, ClinGen allele CA349849977.

ClinVar aggregate classification (germline): Uncertain significance. Review status: criteria provided, multiple submitters, no conflicts (2 of 4 stars). 2 submissions from 2 submitters: Uncertain significance (2). Last evaluated 2024-03-06.

Conditions:
Familial thoracic aortic aneurysm and aortic dissection (TAAD). Also called: Thoracic aortic aneurysms and dissections. Identifiers: Orphanet 91387, MedGen C4707243, MONDO:0019625.
Ehlers-Danlos syndrome, type 4 (EDSVASC). Also called: Ehlers-Danlos Syndrome Type IV; Ehlers-Danlos syndrome vascular type; Ehlers Danlos syndrome, ecchymotic type; Ehlers Danlos syndrome, arterial type; Ehlers Danlos syndrome, Sack-Barabas type. Identifiers: Orphanet 286, MedGen C0268338, MONDO:0017314, OMIM 130050.

Submissions (2):

Color Diagnostics, LLC DBA Color Health
Classification: Uncertain significance for Familial thoracic aortic aneurysm and aortic dissection. Last evaluated: 2024-03-06. Review status: criteria provided, single submitter. Criteria: ACMG Guidelines, 2015. Collection method: clinical testing. Allele origin: germline.
Comment: This missense variant replaces arginine with glycine at codon 302 of the COL3A1 protein. Computational prediction is inconclusive regarding the impact of this variant on protein structure and function (internally defined REVEL score threshold 0.5 < inconclusive < 0.7, PMID: 27666373). To our knowledge, functional studies have not been reported for this variant. This variant has not been reported in individuals affected with COL3A1-related disorders in the literature. This variant has not been identified in the general population by the Genome Aggregation Database (gnomAD). The available evidence is insufficient to determine the role of this variant in disease conclusively. Therefore, this variant is classified as a Variant of Uncertain Significance.

All of Us Research Program, National Institutes of Health
Classification: Uncertain significance for Ehlers-Danlos syndrome, type 4. Last evaluated: 2023-10-06. Review status: criteria provided, single submitter. Criteria: ACMG Guidelines, 2015. Collection method: clinical testing. Allele origin: germline. Inheritance: Autosomal dominant inheritance. Observed: 1 variant allele, 1 heterozygote.
Comment: This missense variant replaces arginine with glycine at codon 302 of the COL3A1 protein. Computational prediction is inconclusive regarding the impact of this variant on protein structure and function (internally defined REVEL score threshold 0.5 < inconclusive < 0.7, PMID: 27666373). To our knowledge, functional studies have not been reported for this variant. This variant has not been reported in individuals affected with cardiovascular disorders in the literature. This variant has not been identified in the general population by the Genome Aggregation Database (gnomAD). The available evidence is insufficient to determine the role of this variant in disease conclusively. Therefore, this variant is classified as a Variant of Uncertain Significance.

This study involves interpretation of variants in research participants for the purpose of population health screening. Participant phenotype was not available at the time of variant classification. Additional details can be found in publication PMID: 35346344, PMCID: PMC8962531